The following is an entry in ClinVar:

ClinVar aggregate classification (germline): Uncertain significance. Review status: criteria provided, multiple submitters, no conflicts (2 of 4 stars). 2 submissions from 2 submitters: Uncertain significance (2). Last evaluated 2025-09-10.

Allele frequency attached by ClinVar (database versions not stated): gnomAD 0.00001; gnomAD exomes 0.00001; TOPMed 0.00002; ExAC 0.00003.
gnomAD v4.1: 17 of 1,610,416 alleles (0.0011%); highest among the groups gnomAD compares: Admixed American, 0.0017%; no homozygotes.

Submissions (2):

Ambry Genetics
Classification: Uncertain significance. Last evaluated: 2025-09-10. Review status: criteria provided, single submitter. Criteria: Ambry Variant Classification Scheme 2023. Collection method: clinical testing. Allele origin: germline.

Labcorp Genetics (formerly Invitae), Labcorp
Classification: Uncertain significance. Last evaluated: 2024-02-24. Review status: criteria provided, single submitter. Criteria: Invitae Variant Classification Sherloc (09022015). Collection method: clinical testing. Allele origin: germline.
Comment: This sequence change replaces arginine, which is basic and polar, with tryptophan, which is neutral and slightly polar, at codon 2204 of the CEP250 protein (p.Arg2204Trp). This variant is present in population databases (rs748555397, gnomAD 0.002%). This variant has not been reported in the literature in individuals affected with CEP250-related conditions. ClinVar contains an entry for this variant (Variation ID: 1495893). An algorithm developed to predict the effect of missense changes on protein structure and function (PolyPhen-2) suggests that this variant is likely to be disruptive. In summary, the available evidence is currently insufficient to determine the role of this variant in disease. Therefore, it has been classified as a Variant of Uncertain Significance.

NM_007186.6(CEP250):c.6610C>T (p.Arg2204Trp)

Gene: CEP250 (centrosomal protein 250; plus strand). Cytogenetic location: 20q11.22.
Variant type: single nucleotide variant.
Coding change: c.6610C>T on transcript NM_007186.6 (MANE Select); coding-DNA position 6610, C replaced by T.
Protein change: p.Arg2204Trp; replaces arginine 2204 with tryptophan.
Molecular consequence: missense variant.
Genome position (GRCh38, 1-based): chr20:35,504,979, C>T. VCF-style: chr20-35504979-C-T. GRCh37 (hg19) VCF-style: chr20-34092807-C-T.
Other names: c.4714C>T, p.Arg1572Trp (NM_001318219.1); c.6610C>T (NM_007186.3); short protein forms R1572W, R2204W.
Identifiers: ClinVar variation 1495893 (VCV001495893.6), dbSNP rs748555397, ClinGen allele CA9834101.